The following is an entry in ClinVar:

NM_003292.3(TPR):c.1979T>C (p.Ile660Thr)

Genes: TPR (translocated promoter region, nuclear basket protein; minus strand), LOC126805955 (BRD4-independent group 4 enhancer GRCh37_chr1:186323778-186324977; plus strand). Cytogenetic location: 1q31.1.
Variant type: single nucleotide variant.
Coding change: c.1979T>C on transcript NM_003292.3 (MANE Select); coding-DNA position 1979, T replaced by C.
Protein change: p.Ile660Thr; replaces isoleucine 660 with threonine.
Molecular consequence: missense variant.
Genome position (GRCh38, 1-based): chr1:186,355,678, A>G on the plus strand (T>C on the coding strand, the complement: TPR is on the minus strand). VCF-style: chr1-186355678-A-G. GRCh37 (hg19) VCF-style: chr1-186324810-A-G.
Other names: short protein forms I660T.
Identifiers: ClinVar variation 3250519 (VCV003250519.18), dbSNP rs145363119.
Genomic context (GRCh38, chr1:186,355,678, plus strand): 5'-AAAGGTGTGATCTTTACCTGTTTAAGGGCAGCCTTAGCCTCTATAGCCTCTGTTGATTCA[A>G]TAACAGGTACTGGAGCAGGAGTGGAAACAGTCTGTGATGTACTTGGACGTTTTGGAGTTG-3'
Protein context (NP_003283.2, residues 650-670): TVSTPAPVPV[Ile660Thr]ESTEAIEAKA

ClinVar aggregate classification (germline): Benign (1 of 4 stars; one submission).

Allele frequency attached by ClinVar (database versions not stated): TOPMed 0.00112; ESP Exome Variant Server 0.00116; gnomAD 0.00144; gnomAD exomes 0.00178; ExAC 0.00267; 1000 Genomes Project 30x 0.00312; 1000 Genomes Project 0.00339.
gnomAD v4.1: 2,892 of 1,614,138 alleles (0.18%); highest among the groups gnomAD compares: Middle Eastern, 1.4%; 19 homozygotes.

Submission:

CeGaT Center for Human Genetics Tuebingen
Classification: Benign. Last evaluated: 2024-06-01. Review status: criteria provided, single submitter. Criteria: CeGaT Center For Human Genetics Tuebingen Variant Classification Criteria Version 2. Collection method: clinical testing. Allele origin: germline. Affected: yes. Observed: 1 variant allele.
Comment: TPR: BP4, BS1, BS2